The following is an entry in ClinVar:

ClinVar aggregate classification (germline): Uncertain significance (1 of 4 stars; one submission).

Conditions:
Inborn genetic diseases. Identifiers: MedGen C0950123, MeSH D030342.

gnomAD v4.1: 1 of 1,611,710 alleles (0.000062%); highest among the groups gnomAD compares: Admixed American, 0.0017%; no homozygotes.

Submission:

Ambry Genetics
Classification: Uncertain significance for Inborn genetic diseases. Last evaluated: 2025-01-07. Review status: criteria provided, single submitter. Criteria: Ambry Variant Classification Scheme 2023. Collection method: clinical testing. Allele origin: germline.
Comment: The p.K265E variant (also known as c.793A>G), located in coding exon 7 of the CEP57 gene, results from an A to G substitution at nucleotide position 793. The lysine at codon 265 is replaced by glutamic acid, an amino acid with similar properties. This amino acid position is conserved. In addition, the in silico prediction for this alteration is inconclusive. Based on the available evidence, the clinical significance of this variant remains unclear.

NM_014679.5(CEP57):c.793A>G (p.Lys265Glu)

Gene: CEP57 (centrosomal protein 57; plus strand). Cytogenetic location: 11q21.
Variant type: single nucleotide variant.
Coding change: c.793A>G on transcript NM_014679.5 (MANE Select); coding-DNA position 793, A replaced by G.
Protein change: p.Lys265Glu; replaces lysine 265 with glutamic acid.
Molecular consequence: missense variant.
Genome position (GRCh38, 1-based): chr11:95,821,964, A>G. VCF-style: chr11-95821964-A-G. GRCh37 (hg19) VCF-style: chr11-95555128-A-G.
Other names: c.766A>G, p.Lys256Glu (NM_001243776.2); c.793A>G, p.Lys265Glu (NM_001243777.2); c.712A>G, p.Lys238Glu (NM_001363604.2); short protein forms K256E, K238E, K265E.
Identifiers: ClinVar variation 3831959 (VCV003831959.1).